The following is an entry in ClinVar:

ClinVar aggregate classification (germline): Uncertain significance. Review status: criteria provided, multiple submitters, no conflicts (2 of 4 stars). 2 submissions from 2 submitters: Uncertain significance (2). Last evaluated 2025-08-06.

Conditions:
ADAMTS9-related disorder. Also called: ADAMTS9-related condition.

gnomAD v4.1: 7 of 1,613,958 alleles (0.00043%); highest among the groups gnomAD compares: African/African-American, 0.004%; no homozygotes.

Submissions (2):

Ambry Genetics
Classification: Uncertain significance. Last evaluated: 2025-08-06. Review status: criteria provided, single submitter. Criteria: Ambry Variant Classification Scheme 2023. Collection method: clinical testing. Allele origin: germline.

PreventionGenetics, part of Exact Sciences
Classification: Uncertain significance for ADAMTS9-related condition. Last evaluated: 2023-03-27. Review status: criteria provided, single submitter. Criteria: ACMG Guidelines, 2015. Collection method: clinical testing. Allele origin: germline.
Comment: The ADAMTS9 c.4108A>G variant is predicted to result in the amino acid substitution p.Ile1370Val. To our knowledge, this variant has not been reported in the literature. This variant is reported in 0.011% of alleles in individuals of African descent in gnomAD. At this time, the clinical significance of this variant is uncertain due to the absence of conclusive functional and genetic evidence.

NM_182920.2(ADAMTS9):c.4108A>G (p.Ile1370Val)

Gene: ADAMTS9 (ADAM metallopeptidase with thrombospondin type 1 motif 9; minus strand). Cytogenetic location: 3p14.1.
Variant type: single nucleotide variant.
Coding change: c.4108A>G on transcript NM_182920.2 (MANE Select); coding-DNA position 4108, A replaced by G.
Protein change: p.Ile1370Val; replaces isoleucine 1370 with valine.
Molecular consequence: missense variant.
Genome position (GRCh38, 1-based): chr3:64,596,901, T>C on the plus strand (A>G on the coding strand, the complement: ADAMTS9 is on the minus strand). VCF-style: chr3-64596901-T-C. GRCh37 (hg19) VCF-style: chr3-64582577-T-C.
Other names: c.4024A>G, p.Ile1342Val (NM_001318781.2); short protein forms I1342V, I1370V.
Identifiers: ClinVar variation 2633398 (VCV002633398.2), dbSNP rs770410500, ClinGen allele CA353439656.